The following is an entry in ClinVar:

ClinVar aggregate classification (germline): Uncertain significance (1 of 4 stars; one submission).

Conditions:
Arrhythmogenic right ventricular dysplasia 13. Also called: Arrhythmogenic right ventricular dysplasia, familial, 13; ARRHYTHMOGENIC RIGHT VENTRICULAR CARDIOMYOPATHY 13. Identifiers: MedGen C3810138, MONDO:0000908, OMIM 615616.

Submission:

Labcorp Genetics (formerly Invitae), Labcorp
Classification: Uncertain significance for Arrhythmogenic right ventricular dysplasia 13. Last evaluated: 2022-06-20. Review status: criteria provided, single submitter. Criteria: Invitae Variant Classification Sherloc (09022015). Collection method: clinical testing. Allele origin: germline.
Comment: This variant is a gross deletion of the genomic region encompassing exon(s) 8 of the CTNNA3 gene. This variant would be expected to be in-frame, preserving the integrity of the reading frame. This variant has not been reported in the literature in individuals affected with CTNNA3-related conditions. Experimental studies and prediction algorithms are not available or were not evaluated, and the functional significance of this variant is currently unknown. In summary, the available evidence is currently insufficient to determine the role of this variant in disease. Therefore, it has been classified as a Variant of Uncertain Significance.

NC_000010.10:g.(?_68535192)_(68535292_?)del

Gene: CTNNA3 (catenin alpha 3; minus strand). Cytogenetic location: 10q21.3.
Variant type: Deletion.
Identifiers: ClinVar variation 1411739 (VCV001411739.6).